The following is an entry in ClinVar:

NM_020975.6(RET):c.3231C>A (p.Leu1077=)

Gene: RET (ret proto-oncogene; plus strand). Cytogenetic location: 10q11.21.
Variant type: single nucleotide variant.
Coding change: c.3231C>A on transcript NM_020975.6 (MANE Select); coding-DNA position 3231, C replaced by A.
Protein change: p.Leu1077=; no amino-acid change (leucine 1077 retained).
Molecular consequence: synonymous variant. On other transcripts: 3 prime UTR variant (18), intron variant (3).
Genome position (GRCh38, 1-based): chr10:43,128,155, C>A. VCF-style: chr10-43128155-C-A. GRCh37 (hg19) VCF-style: chr10-43623603-C-A.
Other names: c.3231C>A, p.Leu1077= (NM_000323.2, NM_001406743.1); c.*1401C>A (NM_001355216.2, NM_001406764.1, NM_001406765.1 and 15 more transcripts); c.3171C>A, p.Leu1057= (NM_001406759.1, NM_001406760.1); c.3102C>A, p.Leu1034= (NM_001406761.1, NM_001406762.1); c.3096C>A, p.Leu1032= (NM_001406763.1); c.2943C>A, p.Leu981= (NM_001406766.1, NM_001406767.1); c.2835C>A, p.Leu945= (NM_001406769.1); c.2793C>A, p.Leu931= (NM_001406771.1); and 10 more.
Identifiers: ClinVar variation 1729198 (VCV001729198.8), dbSNP rs765409417, ClinGen allele CA054825.
Genomic context (GRCh38, chr10:43,128,155, plus strand): 5'-TCTGTTTTCATTTTTAGGCATGTCAGACCCGAACTGGCCTGGAGAGAGTCCTGTACCACT[C>A]ACGAGAGCTGATGGCACTAACACTGGGTTTCCAAGATATCCAAATGATAGTGTATATGCT-3'
Protein context (NP_066124.1, residues 1067-1087): PNWPGESPVP[Leu1077=]TRADGTNTGF

ClinVar aggregate classification (germline): Conflicting classifications of pathogenicity. Review status: criteria provided, conflicting classifications (1 of 4 stars). 3 submissions from 3 submitters: Uncertain significance (1); Likely benign (2). Last evaluated 2023-06-13.

Conditions:
Hereditary cancer-predisposing syndrome. Also called: Tumor predisposition; Neoplastic Syndromes, Hereditary; Hereditary Cancer Syndrome; Hereditary neoplastic syndrome. Identifiers: Orphanet 140162, MedGen C0027672, MeSH D009386, MONDO:0015356.
Multiple endocrine neoplasia, type 2 (MEN2). Identifiers: Orphanet 653, MedGen C4048306, MONDO:0019003. Disease mechanism: gain of function.

Submissions (3):

GeneDx
Classification: Uncertain significance. Last evaluated: 2023-06-13. Review status: criteria provided, single submitter. Criteria: GeneDx Variant Classification Process June 2021. Collection method: clinical testing. Allele origin: germline. Affected: yes.
Comment: Not observed at significant frequency in large population cohorts (gnomAD); In silico analysis supports that this variant does not alter splicing; Has not been previously published as pathogenic or benign to our knowledge; This variant is associated with the following publications: (PMID: 22174939)

Ambry Genetics
Classification: Likely benign for Hereditary cancer-predisposing syndrome. Last evaluated: 2022-10-24. Review status: criteria provided, single submitter. Criteria: Ambry Variant Classification Scheme 2023. Collection method: clinical testing. Allele origin: germline.

Labcorp Genetics (formerly Invitae), Labcorp
Classification: Likely benign for Multiple endocrine neoplasia, type 2. Last evaluated: 2022-07-25. Review status: criteria provided, single submitter. Criteria: Invitae Variant Classification Sherloc (09022015). Collection method: clinical testing. Allele origin: germline.